The following is an entry in ClinVar:

NM_000059.4(BRCA2):c.6083A>G (p.Glu2028Gly)

Gene: BRCA2 (BRCA2 DNA repair associated; plus strand). Cytogenetic location: 13q13.1.
Variant type: single nucleotide variant.
Coding change: c.6083A>G on transcript NM_000059.4 (MANE Select); coding-DNA position 6083, A replaced by G.
Protein change: p.Glu2028Gly; replaces glutamic acid 2028 with glycine.
Molecular consequence: missense variant.
Genome position (GRCh38, 1-based): chr13:32,340,438, A>G. VCF-style: chr13-32340438-A-G. GRCh37 (hg19) VCF-style: chr13-32914575-A-G.
Other names: short protein forms E2028G.
Identifiers: ClinVar variation 433799 (VCV000433799.16), dbSNP rs1555284531, ClinGen allele CA387788024.

ClinVar aggregate classification (germline): Conflicting classifications of pathogenicity. Review status: criteria provided, conflicting classifications (1 of 4 stars). 4 submissions from 4 submitters: Uncertain significance (2); Likely benign (1). 1 of the submissions does not count toward it. Last evaluated 2025-01-19.

Conditions:
Hereditary cancer-predisposing syndrome. Also called: Hereditary Cancer Syndrome; Hereditary neoplastic syndrome; Neoplastic Syndromes, Hereditary; Tumor predisposition. Identifiers: Orphanet 140162, MedGen C0027672, MeSH D009386, MONDO:0015356.
Hereditary breast ovarian cancer syndrome. Also called: Hereditary breast and ovarian cancer syndrome (HBOC); Breast and ovarian cancer; BRCA1- and BRCA2-Associated Hereditary Breast and Ovarian Cancer; Hereditary breast and/or ovarian cancer syndrome; Hereditary breast and ovarian cancer; Hereditary breast and ovarian cancer syndrome. Identifiers: Orphanet 145, MedGen C0677776, MeSH D061325, MONDO:0003582. Disease mechanism: loss of function.
Malignant tumor of breast. Also called: Malignant breast neoplasm; Cancer breast. Identifiers: MedGen C0006142, MONDO:0007254. Disease mechanism: loss of function.

Allele frequency attached by ClinVar (database versions not stated): TOPMed below 0.00001.

Submissions (4):

Ambry Genetics
Classification: Uncertain significance for Hereditary cancer-predisposing syndrome. Last evaluated: 2025-01-19. Review status: criteria provided, single submitter. Criteria: Ambry Variant Classification Scheme 2023. Collection method: clinical testing. Allele origin: germline.
Comment: The p.E2028G variant (also known as c.6083A>G), located in coding exon 10 of the BRCA2 gene, results from an A to G substitution at nucleotide position 6083. The glutamic acid at codon 2028 is replaced by glycine, an amino acid with similar properties. This amino acid position is not well conserved in available vertebrate species. In addition, this alteration is predicted to be tolerated by in silico analysis. Since supporting evidence is limited at this time, the clinical significance of this alteration remains unclear.

University of Washington Department of Laboratory Medicine, University of Washington
Classification: Likely benign for Hereditary cancer-predisposing syndrome. Last evaluated: 2023-03-23. Review status: criteria provided, single submitter. Criteria: Dines et al. (Genet Med. 2020). Collection method: curation. Allele origin: germline.
Comment: Missense variant in a coldspot region where missense variants are very unlikely to be pathogenic (PMID:31911673).

BRCA2 exon 11 coldspot. Reclassification based on statistical prior probability.

Labcorp Genetics (formerly Invitae), Labcorp
Classification: Uncertain significance for Hereditary breast ovarian cancer syndrome. Last evaluated: 2022-12-12. Review status: criteria provided, single submitter. Criteria: Invitae Variant Classification Sherloc (09022015). Collection method: clinical testing. Allele origin: germline.
Comment: In summary, the available evidence is currently insufficient to determine the role of this variant in disease. Therefore, it has been classified as a Variant of Uncertain Significance. Advanced modeling of protein sequence and biophysical properties (such as structural, functional, and spatial information, amino acid conservation, physicochemical variation, residue mobility, and thermodynamic stability) performed at Invitae indicates that this missense variant is not expected to disrupt BRCA2 protein function. ClinVar contains an entry for this variant (Variation ID: 433799). This variant has not been reported in the literature in individuals affected with BRCA2-related conditions. This variant is not present in population databases (gnomAD no frequency). This sequence change replaces glutamic acid, which is acidic and polar, with glycine, which is neutral and non-polar, at codon 2028 of the BRCA2 protein (p.Glu2028Gly).

Department of Pathology and Laboratory Medicine, Sinai Health System
Classification: Uncertain significance for Malignant tumor of breast. Review status: no assertion criteria provided. Collection method: clinical testing. Allele origin: unknown. Affected: yes. Study: The Canadian Open Genetics Repository (COGR). Not counted in ClinVar's aggregate classification.
Comment: The p.Glu2028Gly variant was not identified in the literature or public databases nor by our laboratory. Not conserved in mammals In-silico predictions disagree but generally point to benign and increasing the likelihood this variant does not have clinical significance. However, based on the above information, the clinical significance of this variant cannot be determined with certainty at this time. This variant is a Variant of Unkown Significance.